The following is an entry in ClinVar:

ClinVar aggregate classification (germline): Uncertain significance (1 of 4 stars; one submission).

Submission:

Labcorp Genetics (formerly Invitae), Labcorp
Classification: Uncertain significance. Last evaluated: 2023-06-29. Review status: criteria provided, single submitter. Criteria: Invitae Variant Classification Sherloc (09022015). Collection method: clinical testing. Allele origin: germline.
Comment: In summary, the available evidence is currently insufficient to determine the role of this variant in disease. Therefore, it has been classified as a Variant of Uncertain Significance. Advanced modeling of protein sequence and biophysical properties (such as structural, functional, and spatial information, amino acid conservation, physicochemical variation, residue mobility, and thermodynamic stability) performed at Invitae indicates that this missense variant is not expected to disrupt MYH3 protein function. This variant has not been reported in the literature in individuals affected with MYH3-related conditions. This variant is not present in population databases (gnomAD no frequency). This sequence change replaces asparagine, which is neutral and polar, with serine, which is neutral and polar, at codon 1680 of the MYH3 protein (p.Asn1680Ser).

NM_002470.4(MYH3):c.5039A>G (p.Asn1680Ser)

Gene: MYH3 (myosin heavy chain 3; minus strand). Cytogenetic location: 17p13.1.
Variant type: single nucleotide variant.
Coding change: c.5039A>G on transcript NM_002470.4 (MANE Select); coding-DNA position 5039, A replaced by G.
Protein change: p.Asn1680Ser; replaces asparagine 1680 with serine.
Molecular consequence: missense variant.
Genome position (GRCh38, 1-based): chr17:10,631,934, T>C on the plus strand (A>G on the coding strand, the complement: MYH3 is on the minus strand). VCF-style: chr17-10631934-T-C. GRCh37 (hg19) VCF-style: chr17-10535251-T-C.
Other names: short protein forms N1680S.
Identifiers: ClinVar variation 2719915 (VCV002719915.3), dbSNP rs979326011, ClinGen allele CA398135464.